The following is an entry in ClinVar:

ClinVar aggregate classification (germline): Uncertain significance (1 of 4 stars; one submission).

Conditions:
Idiopathic generalized epilepsy. Also called: EIG; Generalised epilepsy. Identifiers: MedGen C0270850, MONDO:0005579, OMIM 600669.
Hyperaldosteronism, familial, type IV (HALD4). Also called: FH IV; ALDOSTERONISM, PRIMARY, AND HYPERTENSION. Identifiers: Orphanet 642671, MedGen C4310756, MONDO:0014875, OMIM 617027.

Allele frequency attached by ClinVar (database versions not stated): ExAC 0.00001; gnomAD exomes 0.00001; TOPMed 0.00001.
gnomAD v4.1: 16 of 1,534,312 alleles (0.001%); highest among the groups gnomAD compares: East Asian, 0.0045%; no homozygotes.

Submission:

Labcorp Genetics (formerly Invitae), Labcorp
Classification: Uncertain significance for Idiopathic generalized epilepsy; Hyperaldosteronism, familial, type IV. Last evaluated: 2024-03-19. Review status: criteria provided, single submitter. Criteria: Invitae Variant Classification Sherloc (09022015). Collection method: clinical testing. Allele origin: germline.
Comment: This sequence change replaces glycine, which is neutral and non-polar, with serine, which is neutral and polar, at codon 2212 of the CACNA1H protein (p.Gly2212Ser). The frequency data for this variant in the population databases is considered unreliable, as metrics indicate poor data quality at this position in the gnomAD database. This variant has not been reported in the literature in individuals affected with CACNA1H-related conditions. Advanced modeling of protein sequence and biophysical properties (such as structural, functional, and spatial information, amino acid conservation, physicochemical variation, residue mobility, and thermodynamic stability) performed at Invitae indicates that this missense variant is not expected to disrupt CACNA1H protein function with a negative predictive value of 80%. In summary, the available evidence is currently insufficient to determine the role of this variant in disease. Therefore, it has been classified as a Variant of Uncertain Significance.

NM_021098.3(CACNA1H):c.6634G>A (p.Gly2212Ser)

Gene: CACNA1H (calcium voltage-gated channel subunit alpha1 H; plus strand). Cytogenetic location: 16p13.3.
Variant type: single nucleotide variant.
Coding change: c.6634G>A on transcript NM_021098.3 (MANE Select); coding-DNA position 6634, G replaced by A.
Protein change: p.Gly2212Ser; replaces glycine 2212 with serine.
Molecular consequence: missense variant.
Genome position (GRCh38, 1-based): chr16:1,220,566, G>A. VCF-style: chr16-1220566-G-A. GRCh37 (hg19) VCF-style: chr16-1270566-G-A.
Other names: c.6616G>A, p.Gly2206Ser (NM_001005407.2); short protein forms G2206S, G2212S.
Identifiers: ClinVar variation 2934431 (VCV002934431.3), dbSNP rs769865105, ClinGen allele CA7802446.